The following is an entry in ClinVar:

ClinVar aggregate classification (germline): Conflicting classifications of pathogenicity. Review status: criteria provided, conflicting classifications (1 of 4 stars). 11 submissions from 11 submitters: Uncertain significance (9); Likely benign (1). 1 of the submissions does not count toward it. Last evaluated 2025-12-16.

Conditions:
STK11-related disorder. Also called: STK11-related condition.
Hereditary cancer-predisposing syndrome. Also called: Neoplastic Syndromes, Hereditary; Hereditary Cancer Syndrome; Hereditary neoplastic syndrome; Tumor predisposition. Identifiers: Orphanet 140162, MedGen C0027672, MeSH D009386, MONDO:0015356.
Peutz-Jeghers syndrome (PJS). Also called: Peutz-Jeghers polyposis; Periorificial lentiginosis syndrome; POLYPOSIS, HAMARTOMATOUS INTESTINAL; POLYPS-AND-SPOTS SYNDROME. Identifiers: Orphanet 2869, MedGen C0031269, MeSH D010580, MONDO:0008280, OMIM 175200.

Allele frequency attached by ClinVar (database versions not stated): gnomAD exomes 0.00001 and 0.00003; ExAC 0.00002; TOPMed 0.00002; gnomAD 0.00003 and 0.00004.

Submissions (11):

Labcorp Genetics (formerly Invitae), Labcorp
Classification: Likely benign for Peutz-Jeghers syndrome. Last evaluated: 2025-12-16. Review status: criteria provided, single submitter. Criteria: Invitae Variant Classification Sherloc (09022015). Collection method: clinical testing. Allele origin: germline.

Center for Genomic Medicine, Rigshospitalet, Copenhagen University Hospital
Classification: Uncertain significance. Last evaluated: 2025-03-04. Review status: criteria provided, single submitter. Criteria: ACMG Guidelines, 2015. Collection method: clinical testing. Allele origin: germline.

Ambry Genetics
Classification: Uncertain significance for Hereditary cancer-predisposing syndrome. Last evaluated: 2024-09-26. Review status: criteria provided, single submitter. Criteria: Ambry Variant Classification Scheme 2023. Collection method: clinical testing. Allele origin: germline.
Comment: The p.R106W variant (also known as c.316C>T), located in coding exon 2 of the STK11 gene, results from a C to T substitution at nucleotide position 316. The arginine at codon 106 is replaced by tryptophan, an amino acid with dissimilar properties. This alteration was reported in a patient with a small bowel neuroendocrine tumor; however, this individual was also was positive for a pathogenic mutation in the PALB2 gene as well as variants of unknown significance in the MLH1 and FANCM genes (Larouche V et al. Endocrinol Diabetes Metab, 2019 Oct;2:e00092). This amino acid position is not well conserved in available vertebrate species. In addition, the in silico prediction for this alteration is inconclusive. Based on the available evidence, the clinical significance of this variant remains unclear.

GeneDx
Classification: Uncertain significance. Last evaluated: 2024-05-08. Review status: criteria provided, single submitter. Criteria: GeneDx Variant Classification Process June 2021. Collection method: clinical testing. Allele origin: germline. Affected: yes.
Comment: Not observed at a significant frequency in large population cohorts (gnomAD); In silico analysis supports that this missense variant has a deleterious effect on protein structure/function; Observed in an individual with breast cancer and a neuroendocrine tumor who also harbored a pathogenic variant in PALB2 (PMID: 31592449); This variant is associated with the following publications: (PMID: 31469826, 36243179, 15863673, 31592449)

All of Us Research Program, National Institutes of Health
Classification: Uncertain significance for Peutz-Jeghers syndrome. Last evaluated: 2024-04-25. Review status: criteria provided, single submitter. Criteria: ACMG Guidelines, 2015. Collection method: clinical testing. Allele origin: germline. Inheritance: Autosomal dominant inheritance. Observed: 5 variant alleles, 5 heterozygotes.
Comment: This missense variant replaces arginine with tryptophan at codon 106 of the STK11 protein. Computational prediction is inconclusive regarding the impact of this variant on protein structure and function (internally defined REVEL score threshold 0.5 < inconclusive < 0.7, PMID: 27666373). To our knowledge, functional studies have not been performed for this variant. This variant has been reported in an individual affected with breast cancer and neuroendocrine tumors (PMID: 31592449) although this individual also carries a truncating PALB2 variant. This variant has been identified in 3/280550 chromosomes in the general population by the Genome Aggregation Database (gnomAD). The available evidence is insufficient to determine the role of this variant in disease conclusively. Therefore, this variant is classified as a Variant of Uncertain Significance.

This study involves interpretation of variants in research participants for the purpose of population health screening. Participant phenotype was not available at the time of variant classification. Additional details can be found in publication PMID: 35346344, PMCID: PMC8962531

Color Diagnostics, LLC DBA Color Health
Classification: Uncertain significance for Hereditary cancer-predisposing syndrome. Last evaluated: 2024-03-28. Review status: criteria provided, single submitter. Criteria: ACMG Guidelines, 2015. Collection method: clinical testing. Allele origin: germline.
Comment: This missense variant replaces arginine with tryptophan at codon 106 of the STK11 protein. Computational prediction is inconclusive regarding the impact of this variant on protein structure and function. To our knowledge, functional studies have not been performed for this variant. This variant has been reported in an individual affected with breast cancer and neuroendocrine tumors (PMID: 31592449) although this individual also carries a truncating PALB2 variant. This variant has been identified in 3/280550 chromosomes in the general population by the Genome Aggregation Database (gnomAD). The available evidence is insufficient to determine the role of this variant in disease conclusively. Therefore, this variant is classified as a Variant of Uncertain Significance.

Women's Health and Genetics/Laboratory Corporation of America, LabCorp
Classification: Uncertain significance. Last evaluated: 2023-08-21. Review status: criteria provided, single submitter. Criteria: LabCorp Variant Classification Summary - May 2015. Collection method: clinical testing. Allele origin: germline.
Comment: Variant summary: STK11 c.316C>T (p.Arg106Trp) results in a non-conservative amino acid change located in the Protein kinase domain (IPR000719) of the encoded protein sequence. Five of five in-silico tools predict a damaging effect of the variant on protein function. The variant allele was found at a frequency of 8e-06 in 249164 control chromosomes (gnomAD). The available data on variant occurrences in the general population are insufficient to allow any conclusion about variant significance. c.316C>T has been reported in the literature in an individual with concurrent breast cancer and small bowel neuroendocrine tumor (e.g., Larouche_2019), however without strong evidence for causality due to co-occurrence with a pathogenic variant (PALB2 c.3549C>A, p.Tyr1183X), providing supporting evidence for a benign role. This report therefore does not provide unequivocal conclusions about association of the variant with Peutz-Jeghers Syndrome. To our knowledge, no experimental evidence demonstrating an impact on protein function has been reported. The following publications have been ascertained in the context of this evaluation (PMID: 31592449, 31383922). Six submitters have reported clinical-significance assessments for this variant to ClinVar after 2014. All submitters classified the variant as uncertain significance. Based on the evidence outlined above, the variant was classified as uncertain significance.

Quest Diagnostics Nichols Institute San Juan Capistrano
Classification: Uncertain significance. Last evaluated: 2023-07-18. Review status: criteria provided, single submitter. Criteria: Quest Diagnostics criteria. Collection method: clinical testing. Allele origin: unknown.
Comment: In the published literature, this variant has been reported in an individual with breast cancer and neuroendocrine tumors that carries a pathogenic variant in the PALB2 gene (PMID: 31592449 (2019)). It has also been reported in unaffected individuals (PMID: 31469826 (2019)). The frequency of this variant in the general population, 0.000023 (3/128370 chromosomes in European (Non-Finnish) subpopulation (Genome Aggregation Database)), is higher than would generally be expected for pathogenic variants in this gene. Analysis of this variant using bioinformatics tools for the prediction of the effect of amino acid changes on protein structure and function yielded conflicting predictions that this variant is benign or damaging. Based on the available information, we are unable to determine the clinical significance of this variant.

Genome-Nilou Lab
Classification: Uncertain significance for Peutz-Jeghers syndrome. Last evaluated: 2021-07-15. Review status: criteria provided, single submitter. Criteria: ACMG Guidelines, 2015. Collection method: clinical testing. Allele origin: germline. Affected: no.

Illumina Laboratory Services, Illumina
Classification: Uncertain significance for Peutz-Jeghers syndrome. Last evaluated: 2018-01-13. Review status: criteria provided, single submitter. Criteria: ICSL Variant Classification Criteria 13 December 2019. Collection method: clinical testing. Allele origin: germline.

PreventionGenetics, part of Exact Sciences
Classification: Uncertain significance for STK11-related condition. Last evaluated: 2024-03-29. Review status: no assertion criteria provided. Collection method: clinical testing. Allele origin: germline. Not counted in ClinVar's aggregate classification.
Comment: The STK11 c.316C>T variant is predicted to result in the amino acid substitution p.Arg106Trp. This variant was reported in an individual with concurrent breast cancer and neuroendocrine tumors; however, this individual also harbored additional variants in cancer-related genes including a pathogenic PALB2 variant (Patient 5, Larouche et al. 2019. PubMed ID: 31592449). This variant was also documented in unaffected controls but not affected individuals in a case-control study of pancreatic cancer (Dataset S1 and Table S2, Wong et al. 2019. PubMed ID: 31469826). This variant is reported in 0.0023% of alleles in individuals of European (Non-Finnish) descent in gnomAD and is interpreted as uncertain significance in ClinVar. At this time, the clinical significance of this variant is uncertain due to the absence of conclusive functional and genetic evidence.

Literature cited by the submitters: PubMed 31592449 (cited by 5 submitters); PubMed 31383922 (cited by Women's Health and Genetics/Laboratory Corporation of America, LabCorp); PubMed 31469826 (cited by Quest Diagnostics Nichols Institute San Juan Capistrano).

NM_000455.5(STK11):c.316C>T (p.Arg106Trp)

Gene: STK11 (serine/threonine kinase 11; plus strand). Cytogenetic location: 19p13.3.
Variant type: single nucleotide variant.
Coding change: c.316C>T on transcript NM_000455.5 (MANE Select); coding-DNA position 316, C replaced by T.
Protein change: p.Arg106Trp; replaces arginine 106 with tryptophan.
Molecular consequence: missense variant.
Genome position (GRCh38, 1-based): chr19:1,218,442, C>T. VCF-style: chr19-1218442-C-T. GRCh37 (hg19) VCF-style: chr19-1218441-C-T.
Other names: short protein forms R106W.
Identifiers: ClinVar variation 141922 (VCV000141922.39), dbSNP rs587782115, ClinGen allele CA022819.